The following is an entry in ClinVar:

NM_004646.4(NPHS1):c.14C>T (p.Thr5Met)

Genes: KIRREL2 (kirre like nephrin family adhesion molecule 2; plus strand), NPHS1 (NPHS1 adhesion molecule, nephrin; minus strand). Cytogenetic location: 19q13.12.
Variant type: single nucleotide variant.
Coding change: c.14C>T on transcript NM_004646.4 (MANE Select); coding-DNA position 14, C replaced by T.
Protein change: p.Thr5Met; replaces threonine 5 with methionine.
Molecular consequence: missense variant.
Genome position (GRCh38, 1-based): chr19:35,851,824, G>A on the plus strand (C>T on the coding strand, the complement: NPHS1 is on the minus strand). VCF-style: chr19-35851824-G-A. GRCh37 (hg19) VCF-style: chr19-36342726-G-A.
Other names: short protein forms T5M.
Identifiers: ClinVar variation 732252 (VCV000732252.19), dbSNP rs191850409, ClinGen allele CA9390947.

ClinVar aggregate classification (germline): Conflicting classifications of pathogenicity. Review status: criteria provided, conflicting classifications (1 of 4 stars). 5 submissions from 5 submitters: Uncertain significance (4); Likely benign (1). Last evaluated 2026-02-02.

Conditions:
Congenital nephrotic syndrome. Also called: Familial nephrotic syndrome. Identifiers: MedGen C3501848, MeSH C535761, MONDO:0002350, HP:0008677.
Finnish congenital nephrotic syndrome (NPHS1). Also called: NEPHROTIC SYNDROME, TYPE 1. Identifiers: Orphanet 839, MedGen C0403399, MONDO:0009732, OMIM 256300.

Allele frequency attached by ClinVar (database versions not stated): ExAC 0.00014; gnomAD exomes 0.00025; gnomAD 0.00026; TOPMed 0.00054; 1000 Genomes Project 0.00120; 1000 Genomes Project 30x 0.00125.
gnomAD v4.1: 206 of 1,551,860 alleles (0.013%); highest among the groups gnomAD compares: East Asian, 0.41%; 1 homozygote.

Submissions (5):

Labcorp Genetics (formerly Invitae), Labcorp
Classification: Likely benign. Last evaluated: 2026-02-02. Review status: criteria provided, single submitter. Criteria: Invitae Variant Classification Sherloc (09022015). Collection method: clinical testing. Allele origin: germline.

Blueprint Genetics
Classification: Uncertain significance. Last evaluated: 2024-11-08. Review status: criteria provided, single submitter. Criteria: ACMG Guidelines, 2015. Collection method: clinical testing. Allele origin: germline.

Myriad Genetics, Inc.
Classification: Uncertain significance for Finnish congenital nephrotic syndrome. Last evaluated: 2021-10-19. Review status: criteria provided, single submitter. Criteria: Myriad Women's Health Autosomal Recessive and X-Linked Classification Criteria (2021). Collection method: clinical testing. Allele origin: unknown.
Comment: NM_004646.3(NPHS1):c.14C>T(T5M) is a missense variant classified as a variant of uncertain significance in the context of nephrotic syndrome, NPHS1-related. T5M has been observed in cases with relevant disease (PMID: 18436095, 28476686, 31216994). Functional assessments of this variant are not available in the literature. T5M has been observed in population frequency databases (gnomAD: EAS 0.32%). In summary, there is insufficient evidence to classify NM_004646.3(NPHS1):c.14C>T(T5M) as pathogenic or benign. Please note: this variant was assessed in the context of healthy population screening.

Illumina Laboratory Services, Illumina
Classification: Uncertain significance for Congenital nephrotic syndrome. Last evaluated: 2017-04-27. Review status: criteria provided, single submitter. Criteria: ICSL Variant Classification Criteria 13 December 2019. Collection method: clinical testing. Allele origin: germline.
Comment: This variant was observed as part of a predisposition screen in an ostensibly healthy population. A literature search was performed for the gene, cDNA change, and amino acid change (where applicable). Publications were found based on this search. However, the evidence from the literature, in combination with allele frequency data from public databases where available, was not sufficient to rule this variant in or out of causing disease. Therefore, this variant is classified as a variant of unknown significance.

Precision Medicine Center, Zhengzhou University
Classification: Uncertain significance for Finnish congenital nephrotic syndrome. Review status: criteria provided, single submitter. Criteria: ACMG Guidelines, 2015. Collection method: research. Allele origin: germline. Affected: yes.
Comment: BP4:Multiple lines of computational evidence suggest no impact

Literature cited by the submitters: PubMed 28476686 (cited by Myriad Genetics, Inc.); PubMed 31216994 (cited by Myriad Genetics, Inc.); PubMed 18436095 (cited by Myriad Genetics, Inc. and Illumina Laboratory Services, Illumina).